The following is an entry in ClinVar:

NM_004304.5(ALK):c.4406C>T (p.Pro1469Leu)

Gene: ALK (ALK receptor tyrosine kinase; minus strand). Cytogenetic location: 2p23.2.
Variant type: single nucleotide variant.
Coding change: c.4406C>T on transcript NM_004304.5 (MANE Select); coding-DNA position 4406, C replaced by T.
Protein change: p.Pro1469Leu; replaces proline 1469 with leucine.
Molecular consequence: missense variant.
Genome position (GRCh38, 1-based): chr2:29,193,681, G>A on the plus strand (C>T on the coding strand, the complement: ALK is on the minus strand). VCF-style: chr2-29193681-G-A. GRCh37 (hg19) VCF-style: chr2-29416547-G-A.
Other names: c.1202C>T, p.Pro401Leu (NM_001353765.2); short protein forms P401L, P1469L.
Identifiers: ClinVar variation 664849 (VCV000664849.13), dbSNP rs758625575, ClinGen allele CA1593579.
Genomic context (GRCh38, chr2:29,193,681, plus strand): 5'-AACTCCGAAGGAGGGTTGGACTGAGAGAATGCCATATTCACGTGTCCCCCTTCCACGGCC[G>A]GCCCTCTAGGGACTCGAACAGAGATCTCTGCAGCTGTGGGTTTCTTTGCAGCCTTGCCAG-3'
Protein context (NP_004295.2, residues 1459-1479): AEISVRVPRG[Pro1469Leu]AVEGGHVNMA

ClinVar aggregate classification (germline): Uncertain significance. Review status: criteria provided, multiple submitters, no conflicts (2 of 4 stars). 4 submissions from 4 submitters: Uncertain significance (4). Last evaluated 2026-01-07.

Conditions:
Neuroblastoma, susceptibility to, 3. Also called: ALK-Related Neuroblastic Tumor Susceptibility. Identifiers: Orphanet 635, MedGen C2751681, MONDO:0013083, OMIM 613014.
Hereditary cancer-predisposing syndrome. Also called: Neoplastic Syndromes, Hereditary; Hereditary neoplastic syndrome; Tumor predisposition; Hereditary Cancer Syndrome. Identifiers: Orphanet 140162, MedGen C0027672, MeSH D009386, MONDO:0015356.

Allele frequency attached by ClinVar (database versions not stated): gnomAD exomes 0.00001 and 0.00002; ExAC 0.00002.
gnomAD v4.1: 9 of 1,613,818 alleles (0.00056%); highest among the groups gnomAD compares: Non-Finnish European, 0.00076%; no homozygotes.

Submissions (4):

Labcorp Genetics (formerly Invitae), Labcorp
Classification: Uncertain significance for Neuroblastoma, susceptibility to, 3. Last evaluated: 2026-01-07. Review status: criteria provided, single submitter. Criteria: Invitae Variant Classification Sherloc (09022015). Collection method: clinical testing. Allele origin: germline.
Comment: This sequence change replaces proline, which is neutral and non-polar, with leucine, which is neutral and non-polar, at codon 1469 of the ALK protein (p.Pro1469Leu). This variant is present in population databases (rs758625575, gnomAD 0.006%). This variant has not been reported in the literature in individuals affected with ALK-related conditions. ClinVar contains an entry for this variant (Variation ID: 664849). An algorithm developed to predict the effect of missense changes on protein structure and function outputs the following: PolyPhen-2: "Benign". The leucine amino acid residue is found in multiple mammalian species, which suggests that this missense change does not adversely affect protein function. In summary, the available evidence is currently insufficient to determine the role of this variant in disease. Therefore, it has been classified as a Variant of Uncertain Significance.

Ambry Genetics
Classification: Uncertain significance for Hereditary cancer-predisposing syndrome. Last evaluated: 2024-09-19. Review status: criteria provided, single submitter. Criteria: Ambry Variant Classification Scheme 2023. Collection method: clinical testing. Allele origin: germline.
Comment: The p.P1469L variant (also known as c.4406C>T), located in coding exon 29 of the ALK gene, results from a C to T substitution at nucleotide position 4406. The proline at codon 1469 is replaced by leucine, an amino acid with similar properties. This amino acid position is conserved. In addition, this alteration is predicted to be tolerated by in silico analysis. Since supporting evidence is limited at this time, the clinical significance of this alteration remains unclear.

Baylor Genetics
Classification: Uncertain significance for Neuroblastoma, susceptibility to, 3. Last evaluated: 2024-02-29. Review status: criteria provided, single submitter. Criteria: ACMG Guidelines, 2015. Collection method: clinical testing. Allele origin: unknown.

GeneDx
Classification: Uncertain significance. Last evaluated: 2022-10-04. Review status: criteria provided, single submitter. Criteria: GeneDx Variant Classification Process June 2021. Collection method: clinical testing. Allele origin: germline. Affected: yes.
Comment: In silico analysis supports that this missense variant has a deleterious effect on protein structure/function; Has not been previously published as pathogenic or benign to our knowledge